The following is an entry in ClinVar:

ClinVar aggregate classification (germline): Uncertain significance (1 of 4 stars; one submission).

Submission:

Labcorp Genetics (formerly Invitae), Labcorp
Classification: Uncertain significance. Last evaluated: 2023-05-19. Review status: criteria provided, single submitter. Criteria: Invitae Variant Classification Sherloc (09022015). Collection method: clinical testing. Allele origin: germline.
Comment: In summary, the available evidence is currently insufficient to determine the role of this variant in disease. Therefore, it has been classified as a Variant of Uncertain Significance. Advanced modeling of protein sequence and biophysical properties (such as structural, functional, and spatial information, amino acid conservation, physicochemical variation, residue mobility, and thermodynamic stability) has been performed at Invitae for this missense variant, however the output from this modeling did not meet the statistical confidence thresholds required to predict the impact of this variant on BEST1 protein function. This variant has not been reported in the literature in individuals affected with BEST1-related conditions. This variant is not present in population databases (gnomAD no frequency). This sequence change replaces isoleucine, which is neutral and non-polar, with valine, which is neutral and non-polar, at codon 495 of the BEST1 protein (p.Ile495Val).

NM_004183.4(BEST1):c.1483A>G (p.Ile495Val)

Gene: BEST1 (bestrophin 1; plus strand). Cytogenetic location: 11q12.3.
Variant type: single nucleotide variant.
Coding change: c.1483A>G on transcript NM_004183.4 (MANE Select); coding-DNA position 1483, A replaced by G.
Protein change: p.Ile495Val; replaces isoleucine 495 with valine.
Molecular consequence: missense variant. On other transcripts: non-coding transcript variant (1).
Genome position (GRCh38, 1-based): chr11:61,962,637, A>G. VCF-style: chr11-61962637-A-G. GRCh37 (hg19) VCF-style: chr11-61730109-A-G.
Other names: c.1303A>G, p.Ile435Val (NM_001139443.3, NM_001300787.2); c.1222A>G, p.Ile408Val (NM_001300786.2); c.1165A>G, p.Ile389Val (NM_001363591.3); c.*378A>G (NM_001363592.2); c.511A>G, p.Ile171Val (NM_001363593.3); short protein forms I435V, I495V, I389V, I171V, I408V.
Identifiers: ClinVar variation 2865990 (VCV002865990.3), dbSNP rs2541415509, ClinGen allele CA380849156.